The following is an entry in ClinVar:

ClinVar aggregate classification (germline): Uncertain significance. Review status: criteria provided, multiple submitters, no conflicts (2 of 4 stars). 2 submissions from 2 submitters: Uncertain significance (2). Last evaluated 2024-04-24.

Conditions:
Hypophosphatemic rickets, autosomal recessive, 1 (ARHR1). Also called: HYPOPHOSPHATEMIA, AUTOSOMAL RECESSIVE. Identifiers: Orphanet 289176, MedGen C4551495, MONDO:0009430, OMIM 241520. Disease mechanism: loss of function.

Allele frequency attached by ClinVar (database versions not stated): TOPMed 0.00004; ExAC 0.00005; gnomAD 0.00005.
gnomAD v4.1: 75 of 1,614,086 alleles (0.0046%); highest among the groups gnomAD compares: Non-Finnish European, 0.0057%; no homozygotes.

Submissions (2):

Fulgent Genetics
Classification: Uncertain significance for Hypophosphatemic rickets, autosomal recessive, 1. Last evaluated: 2024-04-24. Review status: criteria provided, single submitter. Criteria: ACMG Guidelines, 2015. Collection method: clinical testing. Allele origin: germline.

Labcorp Genetics (formerly Invitae), Labcorp
Classification: Uncertain significance. Last evaluated: 2023-12-09. Review status: criteria provided, single submitter. Criteria: Invitae Variant Classification Sherloc (09022015). Collection method: clinical testing. Allele origin: germline.
Comment: This sequence change replaces aspartic acid, which is acidic and polar, with asparagine, which is neutral and polar, at codon 117 of the DMP1 protein (p.Asp117Asn). This variant is present in population databases (rs140719182, gnomAD 0.01%). This variant has not been reported in the literature in individuals affected with DMP1-related conditions. ClinVar contains an entry for this variant (Variation ID: 2181371). Advanced modeling of protein sequence and biophysical properties (such as structural, functional, and spatial information, amino acid conservation, physicochemical variation, residue mobility, and thermodynamic stability) performed at Invitae indicates that this missense variant is not expected to disrupt DMP1 protein function with a negative predictive value of 80%. In summary, the available evidence is currently insufficient to determine the role of this variant in disease. Therefore, it has been classified as a Variant of Uncertain Significance.

NM_004407.4(DMP1):c.349G>A (p.Asp117Asn)

Genes: DMP1-AS1 (DMP1 and DSPP antisense RNA 1; minus strand), DMP1 (dentin matrix acidic phosphoprotein 1; plus strand). Cytogenetic location: 4q22.1.
Variant type: single nucleotide variant.
Coding change: c.349G>A on transcript NM_004407.4 (MANE Select); coding-DNA position 349, G replaced by A.
Protein change: p.Asp117Asn; replaces aspartic acid 117 with asparagine.
Molecular consequence: missense variant.
Genome position (GRCh38, 1-based): chr4:87,662,127, G>A. VCF-style: chr4-87662127-G-A. GRCh37 (hg19) VCF-style: chr4-88583279-G-A.
Other names: c.301G>A, p.Asp101Asn (NM_001079911.3); short protein forms D101N, D117N.
Identifiers: ClinVar variation 2181371 (VCV002181371.3), dbSNP rs140719182, ClinGen allele CA3002017.